The following is an entry in ClinVar:

ClinVar aggregate classification (germline): Uncertain significance (1 of 4 stars; one submission).

Submission:

Labcorp Genetics (formerly Invitae), Labcorp
Classification: Uncertain significance. Last evaluated: 2025-05-18. Review status: criteria provided, single submitter. Criteria: Invitae Variant Classification Sherloc (09022015). Collection method: clinical testing. Allele origin: germline.
Comment: This sequence change replaces lysine, which is basic and polar, with arginine, which is basic and polar, at codon 1072 of the MYO5B protein (p.Lys1072Arg). This variant is not present in population databases (gnomAD no frequency). This variant has not been reported in the literature in individuals affected with MYO5B-related conditions. Invitae Evidence Modeling of protein sequence and biophysical properties (such as structural, functional, and spatial information, amino acid conservation, physicochemical variation, residue mobility, and thermodynamic stability) indicates that this missense variant is not expected to disrupt MYO5B protein function with a negative predictive value of 80%. In summary, the available evidence is currently insufficient to determine the role of this variant in disease. Therefore, it has been classified as a Variant of Uncertain Significance.

NM_001080467.3(MYO5B):c.3215A>G (p.Lys1072Arg)

Gene: MYO5B (myosin VB; minus strand). Cytogenetic location: 18q21.1.
Variant type: single nucleotide variant.
Coding change: c.3215A>G on transcript NM_001080467.3 (MANE Select); coding-DNA position 3215, A replaced by G.
Protein change: p.Lys1072Arg; replaces lysine 1072 with arginine.
Molecular consequence: missense variant.
Genome position (GRCh38, 1-based): chr18:49,879,006, T>C on the plus strand (A>G on the coding strand, the complement: MYO5B is on the minus strand). VCF-style: chr18-49879006-T-C. GRCh37 (hg19) VCF-style: chr18-47405376-T-C.
Other names: short protein forms K1072R.
Identifiers: ClinVar variation 4759654 (VCV004759654.1).